The following is an entry in ClinVar:

NM_001349253.2(SCN11A):c.5306C>T (p.Pro1769Leu)

Gene: SCN11A (sodium voltage-gated channel alpha subunit 11; minus strand). Cytogenetic location: 3p22.2.
Variant type: single nucleotide variant.
Coding change: c.5306C>T on transcript NM_001349253.2 (MANE Select); coding-DNA position 5306, C replaced by T.
Protein change: p.Pro1769Leu; replaces proline 1769 with leucine.
Molecular consequence: missense variant.
Genome position (GRCh38, 1-based): chr3:38,846,764, G>A on the plus strand (C>T on the coding strand, the complement: SCN11A is on the minus strand). VCF-style: chr3-38846764-G-A. GRCh37 (hg19) VCF-style: chr3-38888255-G-A.
Other names: c.5306C>T, p.Pro1769Leu (NM_014139.3); short protein forms P1769L.
Identifiers: ClinVar variation 641428 (VCV000641428.5), dbSNP rs751901471, ClinGen allele CA2321354.

ClinVar aggregate classification (germline): Uncertain significance (1 of 4 stars; one submission).

Conditions:
Familial episodic pain syndrome with predominantly lower limb involvement. Also called: Episodic pain syndrome, familial, 3. Identifiers: Orphanet 391384, Orphanet 391392, MedGen C3809899, MONDO:0014247, OMIM 615552.
Hereditary sensory and autonomic neuropathy type 7. Also called: Neuropathy, hereditary sensory and autonomic, type VII; HSAN VII. Identifiers: Orphanet 391397, MedGen C3809882, MONDO:0014244, OMIM 615548.

Allele frequency attached by ClinVar (database versions not stated): TOPMed below 0.00001; gnomAD 0.00001; ExAC 0.00002; gnomAD exomes 0.00001 and 0.00002.
gnomAD v4.1: 7 of 1,613,980 alleles (0.00043%); highest among the groups gnomAD compares: Non-Finnish European, 0.00059%; no homozygotes.

Submission:

Labcorp Genetics (formerly Invitae), Labcorp
Classification: Uncertain significance for Familial episodic pain syndrome with predominantly lower limb involvement; Hereditary sensory and autonomic neuropathy type 7. Last evaluated: 2025-08-13. Review status: criteria provided, single submitter. Criteria: Invitae Variant Classification Sherloc (09022015). Collection method: clinical testing. Allele origin: germline.
Comment: This sequence change replaces proline, which is neutral and non-polar, with leucine, which is neutral and non-polar, at codon 1769 of the SCN11A protein (p.Pro1769Leu). This variant is present in population databases (rs751901471, gnomAD 0.004%). This variant has not been reported in the literature in individuals affected with SCN11A-related conditions. ClinVar contains an entry for this variant (Variation ID: 641428). An algorithm developed to predict the effect of missense changes on protein structure and function (PolyPhen-2) suggests that this variant is likely to be tolerated. In summary, the available evidence is currently insufficient to determine the role of this variant in disease. Therefore, it has been classified as a Variant of Uncertain Significance.